The following is an entry in ClinVar:

ClinVar aggregate classification (germline): Uncertain significance. Review status: criteria provided, multiple submitters, no conflicts (2 of 4 stars). 2 submissions from 2 submitters: Uncertain significance (2). Last evaluated 2024-12-03.

Conditions:
DRAM2-related disorder. Also called: DRAM2-related condition.

Allele frequency attached by ClinVar (database versions not stated): TOPMed below 0.00001; ExAC 0.00001; gnomAD 0.00001; gnomAD exomes 0.00001.
gnomAD v4.1: 13 of 1,612,222 alleles (0.00081%); highest among the groups gnomAD compares: African/African-American, 0.0013%; no homozygotes.

Submissions (2):

PreventionGenetics, part of Exact Sciences
Classification: Uncertain significance for DRAM2-related condition. Last evaluated: 2024-12-03. Review status: criteria provided, single submitter. Criteria: ACMG Guidelines, 2015. Collection method: clinical testing. Allele origin: germline.
Comment: The DRAM2 c.221G>A variant is predicted to result in the amino acid substitution p.Arg74His. This variant has been reported in a homozygous state in an individual with retinal disease (Kuniyoshi et al. 2020. PubMed ID: 32079136). This variant is reported in 0.0023% of alleles in individuals of European (Non-Finnish) descent in gnomAD. At this time, the clinical significance of this variant is uncertain due to the absence of conclusive functional and genetic evidence.

Labcorp Genetics (formerly Invitae), Labcorp
Classification: Uncertain significance. Last evaluated: 2021-08-24. Review status: criteria provided, single submitter. Criteria: Invitae Variant Classification Sherloc (09022015). Collection method: clinical testing. Allele origin: germline.
Comment: This sequence change replaces arginine with histidine at codon 74 of the DRAM2 protein (p.Arg74His). The arginine residue is highly conserved and there is a small physicochemical difference between arginine and histidine. The frequency data for this variant in the population databases is considered unreliable, as metrics indicate poor data quality at this position in the ExAC database. This missense change has been observed in individual(s) with cone-rod dystrophy (PMID: 32079136). Algorithms developed to predict the effect of missense changes on protein structure and function (SIFT, PolyPhen-2, Align-GVGD) all suggest that this variant is likely to be disruptive. In summary, the available evidence is currently insufficient to determine the role of this variant in disease. Therefore, it has been classified as a Variant of Uncertain Significance.

Literature cited by the submitters: PubMed 32079136 (cited by Labcorp Genetics (formerly Invitae), Labcorp).

NM_001349884.2(DRAM2):c.221G>A (p.Arg74His)

Gene: DRAM2 (DNA damage regulated autophagy modulator 2; minus strand). Cytogenetic location: 1p13.3.
Variant type: single nucleotide variant.
Coding change: c.221G>A on transcript NM_001349884.2 (MANE Select); coding-DNA position 221, G replaced by A.
Protein change: p.Arg74His; replaces arginine 74 with histidine.
Molecular consequence: missense variant. On other transcripts: 5 prime UTR variant (1), non-coding transcript variant (3), intron variant (7).
Genome position (GRCh38, 1-based): chr1:111,124,860, C>T on the plus strand (G>A on the coding strand, the complement: DRAM2 is on the minus strand). VCF-style: chr1-111124860-C-T. GRCh37 (hg19) VCF-style: chr1-111667482-C-T.
Other names: c.221G>A (NM_178454.4); c.221G>A, p.Arg74His (NM_001349881.2, NM_001349882.2, NM_001349885.2 and 1 more transcripts); c.-198G>A (NM_001349891.2); c.-52+1367G>A (NM_001349889.2, NM_001349890.2, NM_001349892.2 and 1 more transcripts); c.41+1367G>A (NM_001349887.2, NM_001349886.2, NM_001349888.2); short protein forms R74H.
Identifiers: ClinVar variation 1351506 (VCV001351506.6), dbSNP rs759094596, ClinGen allele CA1001894.